The following is an entry in ClinVar:

ClinVar aggregate classification (germline): Uncertain significance (1 of 4 stars; one submission).

Submission:

Labcorp Genetics (formerly Invitae), Labcorp
Classification: Uncertain significance. Last evaluated: 2024-05-16. Review status: criteria provided, single submitter. Criteria: Invitae Variant Classification Sherloc (09022015). Collection method: clinical testing. Allele origin: germline.
Comment: This sequence change replaces threonine, which is neutral and polar, with asparagine, which is neutral and polar, at codon 1820 of the KAT6A protein (p.Thr1820Asn). This variant is not present in population databases (gnomAD no frequency). This variant has not been reported in the literature in individuals affected with KAT6A-related conditions. Advanced modeling of protein sequence and biophysical properties (such as structural, functional, and spatial information, amino acid conservation, physicochemical variation, residue mobility, and thermodynamic stability) performed at Invitae indicates that this missense variant is not expected to disrupt KAT6A protein function with a negative predictive value of 80%. In summary, the available evidence is currently insufficient to determine the role of this variant in disease. Therefore, it has been classified as a Variant of Uncertain Significance.

NM_006766.5(KAT6A):c.5459C>A (p.Thr1820Asn)

Gene: KAT6A (lysine acetyltransferase 6A; minus strand). Cytogenetic location: 8p11.21.
Variant type: single nucleotide variant.
Coding change: c.5459C>A on transcript NM_006766.5 (MANE Select); coding-DNA position 5459, C replaced by A.
Protein change: p.Thr1820Asn; replaces threonine 1820 with asparagine.
Molecular consequence: missense variant.
Genome position (GRCh38, 1-based): chr8:41,932,761, G>T on the plus strand (C>A on the coding strand, the complement: KAT6A is on the minus strand). VCF-style: chr8-41932761-G-T. GRCh37 (hg19) VCF-style: chr8-41790279-G-T.
Other names: short protein forms T1820N.
Identifiers: ClinVar variation 3643121 (VCV003643121.2).